The following is an entry in ClinVar:

NM_001813.3(CENPE):c.6488C>T (p.Ser2163Phe)

Gene: CENPE (centromere protein E; minus strand). Cytogenetic location: 4q24.
Variant type: single nucleotide variant.
Coding change: c.6488C>T on transcript NM_001813.3 (MANE Select); coding-DNA position 6488, C replaced by T.
Protein change: p.Ser2163Phe; replaces serine 2163 with phenylalanine.
Molecular consequence: missense variant.
Genome position (GRCh38, 1-based): chr4:103,136,175, G>A on the plus strand (C>T on the coding strand, the complement: CENPE is on the minus strand). VCF-style: chr4-103136175-G-A. GRCh37 (hg19) VCF-style: chr4-104057332-G-A.
Other names: c.6125C>T, p.Ser2042Phe (NM_001286734.2); short protein forms S2042F, S2163F.
Identifiers: ClinVar variation 1308851 (VCV001308851.2), dbSNP rs759827260, ClinGen allele CA3029357.

ClinVar aggregate classification (germline): Uncertain significance (1 of 4 stars; one submission).

Allele frequency attached by ClinVar (database versions not stated): ExAC 0.00001; gnomAD exomes 0.00001.
gnomAD v4.1: 8 of 1,613,776 alleles (0.0005%); highest among the groups gnomAD compares: East Asian, 0.018%; no homozygotes.

Submission:

GeneDx
Classification: Uncertain significance. Last evaluated: 2019-10-11. Review status: criteria provided, single submitter. Criteria: GeneDx Variant Classification Process June 2021. Collection method: clinical testing. Allele origin: germline. Affected: yes.
Comment: Not observed at a significant frequency in large population cohorts (Lek et al., 2016); In silico analysis, which includes protein predictors and evolutionary conservation, supports that this variant does not alter protein structure/function; Has not been previously published as pathogenic or benign to our knowledge